The following is an entry in ClinVar:

ClinVar aggregate classification (germline): Likely pathogenic (1 of 4 stars; one submission).

Conditions:
Ullrich congenital muscular dystrophy 2 (UCMD2). Identifiers: Orphanet 75840, MedGen C4225314, MONDO:0014654, OMIM 616470.
Bethlem myopathy 2 (BTHLM2). Identifiers: Orphanet 536516, Orphanet 610, MedGen C4225313, MONDO:0034022, OMIM 616471.

Submission:

Labcorp Genetics (formerly Invitae), Labcorp
Classification: Likely pathogenic for Bethlem myopathy 2; Ullrich congenital muscular dystrophy 2. Last evaluated: 2022-02-17. Review status: criteria provided, single submitter. Criteria: Invitae Variant Classification Sherloc (09022015). Collection method: clinical testing. Allele origin: germline.
Comment: This variant, c.8360_8365delinsTCCAGGCCTCCA, is a complex sequence change that results in the deletion of 3 and insertion of 5 amino acid(s) in the COL12A1 protein (p.Pro2787_Gly2789delinsLeuGlnAlaSerSer). This variant is not present in population databases (gnomAD no frequency). This variant has been observed in individual(s) with clinical features of COL12A1-related conditions (Invitae). In at least one individual the variant was observed to be de novo. In summary, the currently available evidence indicates that the variant is pathogenic, but additional data are needed to prove that conclusively. Therefore, this variant has been classified as Likely Pathogenic.

NM_004370.6(COL12A1):c.8360_8365delinsTCCAGGCCTCCA (p.Pro2787_Gly2789delinsLeuGlnAlaSerSer)

Gene: COL12A1 (collagen type XII alpha 1 chain; minus strand). Cytogenetic location: 6q13.
Variant type: Indel.
Coding change: c.8360_8365delinsTCCAGGCCTCCA on transcript NM_004370.6 (MANE Select); coding-DNA positions 8360 to 8365, CCCAGG replaced by TCCAGGCCTCCA.
Protein change: p.Pro2787_Gly2789delinsLeuGlnAlaSerSer.
Molecular consequence: inframe indel.
Genome position (GRCh38, 1-based): chr6:75,102,647-75,102,652, CCTGGG replaced by TGGAGGCCTGGA on the plus strand (CCCAGG replaced by TCCAGGCCTCCA on the coding strand, the reverse complement: COL12A1 is on the minus strand). VCF-style: chr6-75102647-CCTGGG-TGGAGGCCTGGA. GRCh37 (hg19) VCF-style: chr6-75812363-CCTGGG-TGGAGGCCTGGA.
Other names: c.4868_4873delinsTCCAGGCCTCCA, p.Pro1623_Gly1625delinsLeuGlnAlaSerSer (NM_080645.3).
Identifiers: ClinVar variation 2097076 (VCV002097076.4), dbSNP rs2533103785, ClinGen allele CA2580075785.